The following is an entry in ClinVar:

ClinVar aggregate classification (germline): Likely benign (0 of 4 stars; one submission).

Conditions:
PLXNA2-related disorder. Also called: PLXNA2-related condition.

Allele frequency attached by ClinVar (database versions not stated): ESP Exome Variant Server 0.00008.
gnomAD v4.1: 70 of 1,613,450 alleles (0.0043%); highest among the groups gnomAD compares: Non-Finnish European, 0.0055%; no homozygotes.

Submission:

PreventionGenetics, part of Exact Sciences
Classification: Likely benign for PLXNA2-related condition. Last evaluated: 2022-10-12. Review status: no assertion criteria provided. Collection method: clinical testing. Allele origin: germline.
Comment: This variant is classified as likely benign based on ACMG/AMP sequence variant interpretation guidelines (Richards et al. 2015 PMID: 25741868, with internal and published modifications).

NM_025179.4(PLXNA2):c.60G>T (p.Leu20=)

Gene: PLXNA2 (plexin A2; minus strand). Cytogenetic location: 1q32.2.
Variant type: single nucleotide variant.
Coding change: c.60G>T on transcript NM_025179.4 (MANE Select); coding-DNA position 60, G replaced by T.
Protein change: p.Leu20=; no amino-acid change (leucine 20 retained).
Molecular consequence: synonymous variant.
Genome position (GRCh38, 1-based): chr1:208,217,863, C>A on the plus strand (G>T on the coding strand, the complement: PLXNA2 is on the minus strand). VCF-style: chr1-208217863-C-A. GRCh37 (hg19) VCF-style: chr1-208391208-C-A.
Identifiers: ClinVar variation 3032904 (VCV003032904.2), dbSNP rs371657510, ClinGen allele CA1374142.